The following is an entry in ClinVar:

ClinVar aggregate classification (germline): Conflicting classifications of pathogenicity. Review status: criteria provided, conflicting classifications (1 of 4 stars). 6 submissions from 6 submitters: Uncertain significance (2); Likely benign (3). 1 of the submissions does not count toward it. Last evaluated 2025-12-15.

Conditions:
Primary ciliary dyskinesia 15. Also called: CILIARY DYSKINESIA, PRIMARY, 15, WITH OR WITHOUT SITUS INVERSUS. Identifiers: Orphanet 244, MedGen C3151137, MONDO:0013435, OMIM 613808.
CCDC40-related disorder. Also called: CCDC40-related condition.
Primary ciliary dyskinesia. Also called: Ciliary dyskinesia. Identifiers: Orphanet 244, MedGen C0008780, MONDO:0016575, HP:0012265.

Allele frequency attached by ClinVar (database versions not stated): ESP Exome Variant Server 0.00016; TOPMed 0.00036; gnomAD 0.00062 and 0.00072; gnomAD exomes 0.00066 and 0.00125; 1000 Genomes Project 30x 0.00078; 1000 Genomes Project 0.00080.
gnomAD v4.1: 1,097 of 1,614,132 alleles (0.068%); highest among the groups gnomAD compares: East Asian, 0.43%; 5 homozygotes.

Submissions (6):

Labcorp Genetics (formerly Invitae), Labcorp
Classification: Likely benign for Primary ciliary dyskinesia. Last evaluated: 2025-12-15. Review status: criteria provided, single submitter. Criteria: Invitae Variant Classification Sherloc (09022015). Collection method: clinical testing. Allele origin: germline.

Blueprint Genetics
Classification: Likely benign. Last evaluated: 2024-11-19. Review status: criteria provided, single submitter. Criteria: ACMG Guidelines, 2015. Collection method: clinical testing. Allele origin: germline.

Illumina Laboratory Services, Illumina
Classification: Uncertain significance for Primary ciliary dyskinesia 15. Last evaluated: 2018-01-12. Review status: criteria provided, single submitter. Criteria: ICSL Variant Classification Criteria 13 December 2019. Collection method: clinical testing. Allele origin: germline.

Ambry Genetics
Classification: Likely benign for Primary ciliary dyskinesia. Last evaluated: 2017-02-06. Review status: criteria provided, single submitter. Criteria: Ambry Variant Classification Scheme 2023. Collection method: clinical testing. Allele origin: germline.

Eurofins Ntd Llc (ga)
Classification: Uncertain significance. Last evaluated: 2016-06-23. Review status: criteria provided, single submitter. Criteria: EGL Classification Definitions 2015. Collection method: clinical testing. Allele origin: germline. Observed: 1 variant allele, 1 heterozygote.

PreventionGenetics, part of Exact Sciences
Classification: Likely benign for CCDC40-related condition. Last evaluated: 2022-02-07. Review status: no assertion criteria provided. Collection method: clinical testing. Allele origin: germline. Not counted in ClinVar's aggregate classification.
Comment: This variant is classified as likely benign based on ACMG/AMP sequence variant interpretation guidelines (Richards et al. 2015 PMID: 25741868, with internal and published modifications).

NM_017950.4(CCDC40):c.2968G>A (p.Asp990Asn)

Gene: CCDC40 (coiled-coil domain 40 molecular ruler complex subunit; plus strand). Cytogenetic location: 17q25.3.
Variant type: single nucleotide variant.
Coding change: c.2968G>A on transcript NM_017950.4 (MANE Select); coding-DNA position 2968, G replaced by A.
Protein change: p.Asp990Asn; replaces aspartic acid 990 with asparagine.
Molecular consequence: missense variant.
Genome position (GRCh38, 1-based): chr17:80,095,398, G>A. VCF-style: chr17-80095398-G-A. GRCh37 (hg19) VCF-style: chr17-78069197-G-A.
Other names: short protein forms D990N.
Identifiers: ClinVar variation 288542 (VCV000288542.25), dbSNP rs200958035, ClinGen allele CA8814566.